The following is an entry in ClinVar:

ClinVar aggregate classification (germline): Uncertain significance (1 of 4 stars; one submission).

gnomAD v4.1: 1 of 1,509,056 alleles (0.000066%); highest among the groups gnomAD compares: East Asian, 0.0023%; no homozygotes.

Submission:

Labcorp Genetics (formerly Invitae), Labcorp
Classification: Uncertain significance. Last evaluated: 2025-08-03. Review status: criteria provided, single submitter. Criteria: Invitae Variant Classification Sherloc (09022015). Collection method: clinical testing. Allele origin: germline.
Comment: This sequence change replaces lysine, which is basic and polar, with asparagine, which is neutral and polar, at codon 709 of the KCNH1 protein (p.Lys709Asn). This variant is present in population databases (no rsID available, gnomAD 0.007%). This variant has not been reported in the literature in individuals affected with KCNH1-related conditions. Invitae Evidence Modeling of protein sequence and biophysical properties (such as structural, functional, and spatial information, amino acid conservation, physicochemical variation, residue mobility, and thermodynamic stability) has been performed for this missense variant. However, the output from this modeling did not meet the statistical confidence thresholds required to predict the impact of this variant on KCNH1 protein function. In summary, the available evidence is currently insufficient to determine the role of this variant in disease. Therefore, it has been classified as a Variant of Uncertain Significance.

NM_172362.3(KCNH1):c.2127G>T (p.Lys709Asn)

Gene: KCNH1 (potassium voltage-gated channel subfamily H member 1; minus strand). Cytogenetic location: 1q32.2.
Variant type: single nucleotide variant.
Coding change: c.2127G>T on transcript NM_172362.3 (MANE Select); coding-DNA position 2127, G replaced by T.
Protein change: p.Lys709Asn; replaces lysine 709 with asparagine.
Molecular consequence: missense variant.
Genome position (GRCh38, 1-based): chr1:210,684,124, C>A on the plus strand (G>T on the coding strand, the complement: KCNH1 is on the minus strand). VCF-style: chr1-210684124-C-A. GRCh37 (hg19) VCF-style: chr1-210857466-C-A.
Other names: c.2046G>T, p.Lys682Asn (NM_002238.4); short protein forms K682N, K709N.
Identifiers: ClinVar variation 4741263 (VCV004741263.1).